The following is an entry in ClinVar:

ClinVar aggregate classification (germline): Likely pathogenic (1 of 4 stars; one submission).

Conditions:
Developmental and epileptic encephalopathy, 27 (DEE27). Also called: GRIN2B-Related Neurodevelopmental Disorder; Epileptic encephalopathy, early infantile, 27. Identifiers: Orphanet 3451, MedGen C4015316, MONDO:0014505, OMIM 616139.
Intellectual developmental disorder, autosomal dominant 6, with or without seizures. Also called: GRIN2B-related developmental delay, intellectual disability and autism spectrum disorder; Intellectual disability, autosomal dominant 6. Identifiers: Orphanet 589547, MedGen C3151411, MONDO:0013509, OMIM 613970.

Submission:

Labcorp Genetics (formerly Invitae), Labcorp
Classification: Likely pathogenic for Developmental and epileptic encephalopathy, 27; Intellectual developmental disorder, autosomal dominant 6, with or without seizures. Last evaluated: 2021-12-06. Review status: criteria provided, single submitter. Criteria: Invitae Variant Classification Sherloc (09022015). Collection method: clinical testing. Allele origin: germline.
Comment: This variant has not been reported in the literature in individuals affected with GRIN2B-related conditions. Advanced modeling of protein sequence and biophysical properties (such as structural, functional, and spatial information, amino acid conservation, physicochemical variation, residue mobility, and thermodynamic stability) performed at Invitae indicates that this missense variant is expected to disrupt GRIN2B protein function. This variant disrupts the p.Met818 amino acid residue in GRIN2B. Other variant(s) that disrupt this residue have been determined to be pathogenic (PMID: 28377535). This suggests that this residue is clinically significant, and that variants that disrupt this residue are likely to be disease-causing. In summary, the currently available evidence indicates that the variant is pathogenic, but additional data are needed to prove that conclusively. Therefore, this variant has been classified as Likely Pathogenic. This variant is not present in population databases (gnomAD no frequency). This sequence change replaces methionine, which is neutral and non-polar, with lysine, which is basic and polar, at codon 818 of the GRIN2B protein (p.Met818Lys).

Literature cited by the submitters: PubMed 28377535.

NM_000834.5(GRIN2B):c.2453T>A (p.Met818Lys)

Gene: GRIN2B (glutamate ionotropic receptor NMDA type subunit 2B; minus strand). Cytogenetic location: 12p13.1.
Variant type: single nucleotide variant.
Coding change: c.2453T>A on transcript NM_000834.5 (MANE Select); coding-DNA position 2453, T replaced by A.
Protein change: p.Met818Lys; replaces methionine 818 with lysine.
Molecular consequence: missense variant.
Genome position (GRCh38, 1-based): chr12:13,567,170, A>T on the plus strand (T>A on the coding strand, the complement: GRIN2B is on the minus strand). VCF-style: chr12-13567170-A-T. GRCh37 (hg19) VCF-style: chr12-13720104-A-T.
Other names: c.2453T>A, p.Met818Lys (NM_001413992.1); short protein forms M818K.
Identifiers: ClinVar variation 2034795 (VCV002034795.4), dbSNP rs879254016, ClinGen allele CA383996409.